The following is an entry in ClinVar:

ClinVar aggregate classification (germline): Uncertain significance (1 of 4 stars; one submission).

Conditions:
Autosomal recessive nonsyndromic hearing loss 16. Also called: DEAFNESS, AUTOSOMAL RECESSIVE 16; DFNB16 Nonsyndromic Hearing Loss and Deafness. Identifiers: Orphanet 90636, MedGen C1863561, MONDO:0011364, OMIM 603720.

gnomAD v4.1: 1 of 1,613,402 alleles (0.000062%); highest among the groups gnomAD compares: East Asian, 0.0022%; no homozygotes.

Submission:

Human Genetics Bochum, Ruhr University Bochum
Classification: Uncertain significance for Autosomal recessive nonsyndromic hearing loss 16. Last evaluated: 2025-04-22. Review status: criteria provided, single submitter. Criteria: ACMG Guidelines, 2015. Collection method: clinical testing. Allele origin: germline. Affected: yes.
Comment: in homozygous state; ACMG criteria used to clasify this variant: PM2_SUP

NM_153700.2(STRC):c.4973C>T (p.Thr1658Ile)

Gene: STRC (stereocilin; minus strand). Cytogenetic location: 15q15.3.
Variant type: single nucleotide variant.
Coding change: c.4973C>T on transcript NM_153700.2 (MANE Select); coding-DNA position 4973, C replaced by T.
Protein change: p.Thr1658Ile; replaces threonine 1658 with isoleucine.
Molecular consequence: missense variant.
Genome position (GRCh38, 1-based): chr15:43,600,554, G>A on the plus strand (C>T on the coding strand, the complement: STRC is on the minus strand). VCF-style: chr15-43600554-G-A. GRCh37 (hg19) VCF-style: chr15-43892752-G-A.
Other names: short protein forms T1658I.
Identifiers: ClinVar variation 4687915 (VCV004687915.1).